The following is an entry in ClinVar:

ClinVar aggregate classification (germline): Likely pathogenic (1 of 4 stars; one submission).

Submission:

GeneDx
Classification: Likely pathogenic. Last evaluated: 2019-04-24. Review status: criteria provided, single submitter. Criteria: GeneDx Variant Classification Process June 2021. Collection method: clinical testing. Allele origin: germline. Affected: yes.
Comment: Not observed in large population cohorts (Lek et al., 2016); Nonsense variant predicted to result in protein truncation, although loss-of-function variants have not been reported downstream of this position in the protein; Has not been previously published as pathogenic or benign to our knowledge

NM_021728.4(OTX2):c.754G>T (p.Gly252Ter)

Gene: OTX2 (orthodenticle homeobox 2; minus strand). Cytogenetic location: 14q22.3.
Variant type: single nucleotide variant.
Coding change: c.754G>T on transcript NM_021728.4 (MANE Select); coding-DNA position 754, G replaced by T.
Protein change: p.Gly252Ter; replaces glycine 252 with a stop codon.
Molecular consequence: nonsense. On other transcripts: non-coding transcript variant (2).
Genome position (GRCh38, 1-based): chr14:56,801,875, C>A on the plus strand (G>T on the coding strand, the complement: OTX2 is on the minus strand). VCF-style: chr14-56801875-C-A. GRCh37 (hg19) VCF-style: chr14-57268593-C-A.
Other names: c.730G>T, p.Gly244Ter (NM_001270523.2, NM_001270524.2, NM_172337.3); c.754G>T, p.Gly252Ter (NM_001270525.2); short protein forms G244*, G252*.
Identifiers: ClinVar variation 450004 (VCV000450004.3), dbSNP rs1555350163, ClinGen allele CA390051199.